The following is an entry in ClinVar:

ClinVar aggregate classification (germline): Uncertain significance (1 of 4 stars; one submission).

gnomAD v4.1: 1 of 1,605,940 alleles (0.000062%); highest among the groups gnomAD compares: African/African-American, 0.0013%; no homozygotes.

Submission:

Ambry Genetics
Classification: Uncertain significance. Last evaluated: 2026-07-19. Review status: criteria provided, single submitter. Criteria: Ambry Variant Classification Scheme 2023. Collection method: clinical testing. Allele origin: germline.
Comment: The p.P1053T variant (also known as c.3157C>A), located in coding exon 12 of the WNK2 gene, results from a C to A substitution at nucleotide position 3157. The proline at codon 1053 is replaced by threonine, an amino acid with highly similar properties. This amino acid position is conserved. In addition, the in silico prediction for this alteration is inconclusive. Based on the available evidence, the clinical significance of this variant remains unclear.

NM_006648.4(WNK2):c.3157C>A (p.Pro1053Thr)

Gene: WNK2 (WNK lysine deficient protein kinase 2; plus strand). Cytogenetic location: 9q22.31.
Variant type: single nucleotide variant.
Coding change: c.3157C>A on transcript NM_006648.4 (MANE Select); coding-DNA position 3157, C replaced by A.
Protein change: p.Pro1053Thr; replaces proline 1053 with threonine.
Molecular consequence: missense variant.
Genome position (GRCh38, 1-based): chr9:93,261,904, C>A. VCF-style: chr9-93261904-C-A. GRCh37 (hg19) VCF-style: chr9-96024186-C-A.
Other names: c.3157C>A, p.Pro1053Thr (NM_001282394.3); short protein forms P1053T.
Identifiers: ClinVar variation 5031866 (VCV005031866.1).
Genomic context (GRCh38, chr9:93,261,904, plus strand): 5'-GTGGACGTCGCCGCTCAGGTCCCCACCGTGCCTGTGCCACCGGCTGCGGTCCTCTCGCCG[C>A]CTCTGCCGGAAGTGCTGCTGCCTGCCGCCCCTGAGCTCCTGCCTCAGTTCCCCAGCTCCC-3'
Protein context (NP_006639.3, residues 1043-1063): PVPPAAVLSP[Pro1053Thr]LPEVLLPAAP